The following is an entry in ClinVar:

NM_025103.4(IFT74):c.1298A>G (p.Gln433Arg)

Gene: IFT74 (intraflagellar transport 74; plus strand). Cytogenetic location: 9p21.2.
Variant type: single nucleotide variant.
Coding change: c.1298A>G on transcript NM_025103.4 (MANE Select); coding-DNA position 1298, A replaced by G.
Protein change: p.Gln433Arg; replaces glutamine 433 with arginine.
Molecular consequence: missense variant.
Genome position (GRCh38, 1-based): chr9:27,048,239, A>G. VCF-style: chr9-27048239-A-G. GRCh37 (hg19) VCF-style: chr9-27048237-A-G.
Other names: c.1298A>G (NM_025103.2, NM_001099222.1); c.1298A>G, p.Gln433Arg (NM_001099222.3, NM_001099223.3, NM_001349928.2); short protein forms Q433R.
Identifiers: ClinVar variation 2190628 (VCV002190628.5), dbSNP rs201651251, ClinGen allele CA5015624.

ClinVar aggregate classification (germline): Uncertain significance. Review status: criteria provided, multiple submitters, no conflicts (2 of 4 stars). 3 submissions from 3 submitters: Uncertain significance (3). Last evaluated 2025-12-16.

Conditions:
IFT74-related disorder. Also called: IFT74-related condition; IFT74-Related Disorders.
Inborn genetic diseases. Identifiers: MedGen C0950123, MeSH D030342.

Allele frequency attached by ClinVar (database versions not stated): gnomAD exomes 0.00005; ESP Exome Variant Server 0.00008; ExAC 0.00010; 1000 Genomes Project 30x 0.00016; TOPMed 0.00018; 1000 Genomes Project 0.00020; gnomAD 0.00021.
gnomAD v4.1: 104 of 1,607,996 alleles (0.0065%); highest among the groups gnomAD compares: Admixed American, 0.094%; 1 homozygote.

Submissions (3):

PreventionGenetics, part of Exact Sciences
Classification: Uncertain significance for IFT74-related condition. Last evaluated: 2025-12-16. Review status: criteria provided, single submitter. Criteria: ACMG Guidelines, 2015. Collection method: clinical testing. Allele origin: germline.
Comment: The IFT74 c.1298A>G variant is predicted to result in the amino acid substitution p.Gln433Arg. To our knowledge, this variant has not been reported in the literature. This variant is reported in 0.086% of alleles in individuals of Latino descent in gnomAD. Although we suspect that this variant may be benign, at this time, the clinical significance of this variant is uncertain due to the absence of conclusive functional and genetic evidence.

Labcorp Genetics (formerly Invitae), Labcorp
Classification: Uncertain significance. Last evaluated: 2024-11-11. Review status: criteria provided, single submitter. Criteria: Invitae Variant Classification Sherloc (09022015). Collection method: clinical testing. Allele origin: germline.
Comment: This sequence change replaces glutamine, which is neutral and polar, with arginine, which is basic and polar, at codon 433 of the IFT74 protein (p.Gln433Arg). This variant is present in population databases (rs201651251, gnomAD 0.08%). This variant has not been reported in the literature in individuals affected with IFT74-related conditions. ClinVar contains an entry for this variant (Variation ID: 2190628). An algorithm developed to predict the effect of missense changes on protein structure and function (PolyPhen-2) suggests that this variant¬†is likely to be tolerated. In summary, the available evidence is currently insufficient to determine the role of this variant in disease. Therefore, it has been classified as a Variant of Uncertain Significance.

Ambry Genetics
Classification: Uncertain significance for Inborn genetic diseases. Last evaluated: 2021-10-18. Review status: criteria provided, single submitter. Criteria: Ambry Variant Classification Scheme 2023. Collection method: clinical testing. Allele origin: germline.